The following is an entry in ClinVar:

ClinVar aggregate classification (germline): Pathogenic/Likely pathogenic. Review status: criteria provided, multiple submitters, no conflicts (2 of 4 stars). 5 submissions from 5 submitters: Pathogenic (1); Likely pathogenic (4). Last evaluated 2025-12-04.

Conditions:
Hereditary cancer-predisposing syndrome. Also called: Hereditary neoplastic syndrome; Tumor predisposition; Hereditary Cancer Syndrome; Neoplastic Syndromes, Hereditary. Identifiers: Orphanet 140162, MedGen C0027672, MeSH D009386, MONDO:0015356.
Familial cancer of breast. Also called: hereditary breast carcinoma; Hereditary breast cancer; BREAST CANCER, FAMILIAL. Identifiers: Orphanet 227535, MedGen C0346153, MONDO:0016419, OMIM 114480. Disease mechanism: loss of function.

Submissions (5):

GeneDx
Classification: Likely pathogenic. Last evaluated: 2025-12-04. Review status: criteria provided, single submitter. Criteria: GeneDx Variant Classification Process June 2021. Collection method: clinical testing. Allele origin: germline.
Comment: Canonical splice site variant predicted to result in a null allele in a gene for which loss of function is a known mechanism of disease; Not observed at significant frequency in large population cohorts (gnomAD); Has not been previously published as pathogenic or benign to our knowledge

Labcorp Genetics (formerly Invitae), Labcorp
Classification: Pathogenic for Familial cancer of breast. Last evaluated: 2024-12-26. Review status: criteria provided, single submitter. Criteria: Invitae Variant Classification Sherloc (09022015). Collection method: clinical testing. Allele origin: germline.
Comment: This sequence change affects an acceptor splice site in intron 12 of the PALB2 gene. RNA analysis indicates that disruption of this splice site induces altered splicing and likely disrupts the C-terminus of the protein. This variant is not present in population databases (gnomAD no frequency). This variant has not been reported in the literature in individuals affected with PALB2-related conditions. ClinVar contains an entry for this variant (Variation ID: 410152). Studies have shown that disruption of this splice site results in retention of the intron 12 and introduces a new termination codon (internal data). However the mRNA is not expected to undergo nonsense-mediated decay. This variant disrupts a region of the PALB2 protein in which other variant(s) (p.Tyr1183*) have been determined to be pathogenic (PMID: 17200671, 20927582, 21165770, 21365267, 26283626, 26296701). This suggests that this is a clinically significant region of the protein, and that variants that disrupt it are likely to be disease-causing. For these reasons, this variant has been classified as Pathogenic.

Ambry Genetics
Classification: Likely pathogenic for Hereditary cancer-predisposing syndrome. Last evaluated: 2024-11-11. Review status: criteria provided, single submitter. Criteria: Ambry Variant Classification Scheme 2023. Collection method: clinical testing. Allele origin: germline.
Comment: The c.3351-2A>G intronic variant results from an A to G substitution two nucleotides upstream from coding exon 13 in the PALB2 gene. This nucleotide position is highly conserved in available vertebrate species. In silico splice site analysis predicts that this alteration will weaken the native splice acceptor site; however direct evidence is insufficient at this time (Ambry internal data). This variant is considered to be rare based on population cohorts in the Genome Aggregation Database (gnomAD). Alterations that disrupt the canonical splice site are expected to cause aberrant splicing, resulting in an abnormal protein or a transcript that is subject to nonsense-mediated mRNA decay. As such, this alteration is classified as likely pathogenic.

Myriad Genetics, Inc.
Classification: Likely pathogenic for Familial cancer of breast. Last evaluated: 2023-09-15. Review status: criteria provided, single submitter. Criteria: Myriad Autosomal Dominant, Autosomal Recessive and X-Linked Classification Criteria (2023). Collection method: clinical testing. Allele origin: unknown.
Comment: This variant is considered likely pathogenic. This variant occurs within a consensus splice junction and is predicted to result in abnormal mRNA splicing of either an out-of-frame exon or an in-frame exon necessary for protein stability and/or normal function.

Color Diagnostics, LLC DBA Color Health
Classification: Likely pathogenic for Hereditary cancer-predisposing syndrome. Last evaluated: 2022-03-16. Review status: criteria provided, single submitter. Criteria: ACMG Guidelines, 2015. Collection method: clinical testing. Allele origin: germline.
Comment: This variant causes an A to G nucleotide substitution at the -2 position of intron 12 of the PALB2 gene. Splice site prediction tools predict that this variant may have a significant impact on RNA splicing. Although this prediction has not been confirmed in published RNA studies, this variant is expected to result in an absent or disrupted protein product. This variant has not been reported in individuals affected with hereditary cancer in the literature. This variant has not been identified in the general population by the Genome Aggregation Database (gnomAD). Loss of PALB2 function is a known mechanism of disease. Based on the available evidence, this variant is classified as Likely Pathogenic.

Literature cited by the submitters: PubMed 17200671 (cited by Labcorp Genetics (formerly Invitae), Labcorp); PubMed 20927582 (cited by Labcorp Genetics (formerly Invitae), Labcorp); PubMed 21165770 (cited by Labcorp Genetics (formerly Invitae), Labcorp); PubMed 21365267 (cited by Labcorp Genetics (formerly Invitae), Labcorp); PubMed 26283626 (cited by Labcorp Genetics (formerly Invitae), Labcorp); PubMed 26296701 (cited by Labcorp Genetics (formerly Invitae), Labcorp).

NM_024675.4(PALB2):c.3351-2A>G

Gene: PALB2 (partner and localizer of BRCA2; minus strand). Cytogenetic location: 16p12.2.
Variant type: single nucleotide variant.
Coding change: c.3351-2A>G on transcript NM_024675.4 (MANE Select); the canonical splice acceptor site of the intron before coding-DNA position 3351, A replaced by G.
Molecular consequence: splice acceptor variant.
Genome position (GRCh38, 1-based): chr16:23,603,671, T>C on the plus strand (A>G on the coding strand, the complement: PALB2 is on the minus strand). VCF-style: chr16-23603671-T-C. GRCh37 (hg19) VCF-style: chr16-23614992-T-C.
Other names: c.2229-2A>G (NM_001407308.1, NM_001407309.1); c.2466-2A>G (NM_001407306.1, NM_001407305.1, NM_001407304.1); c.885-2A>G (NM_001407314.1); c.1414-2A>G (NM_001407313.1); c.1563-2A>G (NM_001407312.1); c.3291-2A>G (NM_001407296.1); c.3279-2A>G (NM_001407297.1); c.3040-2A>G (NM_001407302.1); and 6 more.
Identifiers: ClinVar variation 410152 (VCV000410152.22), dbSNP rs1060502764, ClinGen allele CA16615066.